The following is an entry in ClinVar:

NM_005732.4(RAD50):c.756+4A>G

Gene: RAD50 (RAD50 double strand break repair protein; plus strand). Cytogenetic location: 5q31.1.
Variant type: single nucleotide variant.
Coding change: c.756+4A>G on transcript NM_005732.4 (MANE Select); 4 bases into the intron after coding-DNA position 756, A replaced by G.
Molecular consequence: intron variant.
Genome position (GRCh38, 1-based): chr5:132,580,070, A>G. VCF-style: chr5-132580070-A-G. GRCh37 (hg19) VCF-style: chr5-131915762-A-G.
Identifiers: ClinVar variation 576039 (VCV000576039.12), dbSNP rs1561636347, ClinGen allele CA891842979.
Genomic context (GRCh38, chr5:132,580,070, plus strand): 5'-TTAACATCTTCAAAGGAAATTGTCAAATCCTATGAGAATGAACTTGATCCATTGAAGGTA[A>G]CTTGATTTTATTTTTAATTGACAAAAATTGTATATCTTTATGGTATACAGCATGATGTTT-3'

ClinVar aggregate classification (germline): Uncertain significance. Review status: criteria provided, multiple submitters, no conflicts (2 of 4 stars). 2 submissions from 2 submitters: Uncertain significance (2). Last evaluated 2024-09-16.

Conditions:
Hereditary cancer-predisposing syndrome. Also called: Tumor predisposition; Hereditary neoplastic syndrome; Hereditary Cancer Syndrome; Neoplastic Syndromes, Hereditary. Identifiers: Orphanet 140162, MedGen C0027672, MeSH D009386, MONDO:0015356.

Submissions (2):

Ambry Genetics
Classification: Uncertain significance for Hereditary cancer-predisposing syndrome. Last evaluated: 2024-09-16. Review status: criteria provided, single submitter. Criteria: Ambry Variant Classification Scheme 2023. Collection method: clinical testing. Allele origin: germline.
Comment: The c.756+4A>G intronic variant results from an A to G substitution 4 nucleotides after coding exon 5 in the RAD50 gene. This nucleotide position is well conserved in available vertebrate species. In silico splice site analysis predicts that this alteration will not have any significant effect on splicing; however, direct evidence is insufficient at this time (Ambry internal data). Based on the available evidence, the clinical significance of this variant remains unclear.

Labcorp Genetics (formerly Invitae), Labcorp
Classification: Uncertain significance for Hereditary cancer-predisposing syndrome. Last evaluated: 2024-05-07. Review status: criteria provided, single submitter. Criteria: Invitae Variant Classification Sherloc (09022015). Collection method: clinical testing. Allele origin: germline.
Comment: This sequence change falls in intron 5 of the RAD50 gene. It does not directly change the encoded amino acid sequence of the RAD50 protein. It affects a nucleotide within the consensus splice site. This variant is not present in population databases (gnomAD no frequency). This variant has not been reported in the literature in individuals affected with RAD50-related conditions. ClinVar contains an entry for this variant (Variation ID: 576039). Variants that disrupt the consensus splice site are a relatively common cause of aberrant splicing (PMID: 17576681, 9536098). Algorithms developed to predict the effect of sequence changes on RNA splicing suggest that this variant is not likely to affect RNA splicing. In summary, the available evidence is currently insufficient to determine the role of this variant in disease. Therefore, it has been classified as a Variant of Uncertain Significance.

Literature cited by the submitters: PubMed 17576681 (cited by Labcorp Genetics (formerly Invitae), Labcorp); PubMed 9536098 (cited by Labcorp Genetics (formerly Invitae), Labcorp).